The following is an entry in ClinVar:

ClinVar aggregate classification (germline): Likely benign. Review status: criteria provided, multiple submitters, no conflicts (2 of 4 stars). 3 submissions from 3 submitters: Likely benign (3). Last evaluated 2025-08-30.

Conditions:
Hereditary cancer-predisposing syndrome. Also called: Neoplastic Syndromes, Hereditary; Tumor predisposition; Hereditary neoplastic syndrome; Hereditary Cancer Syndrome. Identifiers: Orphanet 140162, MedGen C0027672, MeSH D009386, MONDO:0015356.
Retinoblastoma (RB1). Also called: RETINOBLASTOMA, SOMATIC. Identifiers: Orphanet 790, MedGen C0035335, MeSH D012175, MONDO:0008380, OMIM 180200, HP:0009919. Disease mechanism: loss of function. Inheritance: Both sporadic and heritable forms are tested..

Allele frequency attached by ClinVar (database versions not stated): TOPMed 0.00001.
gnomAD v4.1: 1 of 1,613,796 alleles (0.000062%); no homozygotes.

Submissions (3):

Ambry Genetics
Classification: Likely benign for Hereditary cancer-predisposing syndrome. Last evaluated: 2025-08-30. Review status: criteria provided, single submitter. Criteria: Ambry Variant Classification Scheme 2023. Collection method: clinical testing. Allele origin: germline.

Labcorp Genetics (formerly Invitae), Labcorp
Classification: Likely benign for Retinoblastoma. Last evaluated: 2024-09-12. Review status: criteria provided, single submitter. Criteria: Invitae Variant Classification Sherloc (09022015). Collection method: clinical testing. Allele origin: germline.

All of Us Research Program, National Institutes of Health
Classification: Likely benign for Retinoblastoma. Last evaluated: 2023-05-16. Review status: criteria provided, single submitter. Criteria: ACMG Guidelines, 2015. Collection method: clinical testing. Allele origin: germline. Inheritance: Autosomal dominant inheritance. Observed: 1 variant allele, 1 heterozygote.
Comment: This study involves interpretation of variants in research participants for the purpose of population health screening. Participant phenotype was not available at the time of variant classification. Additional details can be found in publication PMID: 35346344, PMCID: PMC8962531

NM_000321.3(RB1):c.819T>C (p.Ile273=)

Gene: RB1 (RB transcriptional corepressor 1; plus strand). Cytogenetic location: 13q14.2.
Variant type: single nucleotide variant.
Coding change: c.819T>C on transcript NM_000321.3 (MANE Select); coding-DNA position 819, T replaced by C.
Protein change: p.Ile273=; no amino-acid change (isoleucine 273 retained).
Molecular consequence: synonymous variant.
Genome position (GRCh38, 1-based): chr13:48,362,915, T>C. VCF-style: chr13-48362915-T-C. GRCh37 (hg19) VCF-style: chr13-48937051-T-C.
Other names: c.819T>C, p.Ile273= (NM_001407165.1, NM_001407166.1).
Identifiers: ClinVar variation 3075642 (VCV003075642.4), dbSNP rs1952656672, ClinGen allele CA483557926.